The following is an entry in ClinVar:

ClinVar aggregate classification (germline): Uncertain significance. Review status: criteria provided, single submitter (1 of 4 stars). 2 submissions from 2 submitters: Uncertain significance (1). 1 of the submissions does not count toward it. Last evaluated 2024-01-30.

Conditions:
Autism (AUTS). Also called: Autistic disorder; Autistic disorder of childhood onset. Identifiers: MedGen C0004352, MeSH D001321, MONDO:0005260, OMIM 209850, HP:0000717.

Allele frequency attached by ClinVar (database versions not stated): gnomAD 0.00001; gnomAD exomes 0.00002.
gnomAD v4.1: 17 of 1,166,953 alleles (0.0015%); highest among the groups gnomAD compares: Middle Eastern, 0.41%; no homozygotes.

Submissions (2):

Ambry Genetics
Classification: Uncertain significance. Last evaluated: 2024-01-30. Review status: criteria provided, single submitter. Criteria: Ambry Variant Classification Scheme 2023. Collection method: clinical testing. Allele origin: germline.

Centre for Addiction & Mental Health
Classification: Uncertain significance for Autism. Review status: no assertion criteria provided. Collection method: research. Allele origin: de novo. Affected: yes. Observed: 1 hemizygote. Segregation with disease not observed. Not counted in ClinVar's aggregate classification.
Comment: Gene not previously associated with disease; independent supportng evidence needed

NM_020665.6(CLTRN):c.137A>T (p.Glu46Val)

Gene: CLTRN (collectrin, amino acid transport regulator; minus strand). Cytogenetic location: Xp22.2.
Variant type: single nucleotide variant.
Coding change: c.137A>T on transcript NM_020665.6 (MANE Select); coding-DNA position 137, A replaced by T.
Protein change: p.Glu46Val; replaces glutamic acid 46 with valine.
Molecular consequence: missense variant.
Genome position (GRCh38, 1-based): chrX:15,659,082, T>A on the plus strand (A>T on the coding strand, the complement: CLTRN is on the minus strand). VCF-style: chrX-15659082-T-A. GRCh37 (hg19) VCF-style: chrX-15677205-T-A.
Other names: c.137A>T (NM_020665.3); short protein forms E46V.
Identifiers: ClinVar variation 3146125 (VCV003146125.3), dbSNP rs866882975, ClinGen allele CA326978187.